The following is an entry in ClinVar:

ClinVar aggregate classification (germline): Conflicting classifications of pathogenicity. Review status: criteria provided, conflicting classifications (1 of 4 stars). 15 submissions from 15 submitters: Pathogenic (8); Likely pathogenic (1); Uncertain significance (1). 5 of the submissions do not count toward it. Last evaluated 2026-01-04.

Conditions:
Infantile-onset X-linked spinal muscular atrophy. Also called: Spinal muscular atrophy, X-linked 2; AMC, DISTAL, X-LINKED; ARTHROGRYPOSIS, X-LINKED, TYPE I; Spinal Muscular Atrophy, X-Linked Infantile; SPINAL MUSCULAR ATROPHY, X-LINKED LETHAL INFANTILE. Identifiers: Orphanet 1145, MedGen C1844934, MONDO:0010532, OMIM 301830.
VEXAS syndrome. Identifiers: Orphanet 596753, MedGen C5435753, MONDO:0026777, OMIM 301054.
VEXAS.
UBA1-related disorder. Also called: UBA1-related condition.

Allele frequency attached by ClinVar (database versions not stated): ExAC below 0.00001; gnomAD exomes below 0.00001; TOPMed 0.00001.
gnomAD v4.1: 2 of 1,212,350 alleles (0.00016%); highest among the groups gnomAD compares: Non-Finnish European, 0.00022%; no homozygotes.

Submissions (15):

Labcorp Genetics (formerly Invitae), Labcorp
Classification: Uncertain significance for Infantile-onset X-linked spinal muscular atrophy. Last evaluated: 2026-01-04. Review status: criteria provided, single submitter. Criteria: Invitae Variant Classification Sherloc (09022015). Collection method: clinical testing. Allele origin: germline.
Comment: This sequence change replaces methionine, which is neutral and non-polar, with threonine, which is neutral and polar, at codon 41 of the UBA1 protein (p.Met41Thr). This variant is not present in population databases (gnomAD no frequency). This variant has been reported as a recurrent somatic variant in individuals with a late-onset, treatment refractory inflammatory syndrome, also known as VEXAS syndrome, (PMID: 33108101), but has not been reported as a germline variant. ClinVar contains an entry for this variant (Variation ID: 965290). An algorithm developed to predict the effect of missense changes on protein structure and function (PolyPhen-2) suggests that this variant is likely to be tolerated. Experimental studies have shown that this missense change affects UBA1 function (PMID: 33108101). In summary, the available evidence is currently insufficient to determine the role of this variant in disease. Therefore, it has been classified as a Variant of Uncertain Significance.

CeGaT Center for Human Genetics Tuebingen
Classification: Pathogenic. Last evaluated: 2026-01-01. Review status: criteria provided, single submitter. Criteria: CeGaT Center For Human Genetics Tuebingen Variant Classification Criteria Version 2. Collection method: clinical testing. Allele origin: germline. Affected: yes. Observed: 9 variant alleles.
Comment: UBA1: PM1:Strong, PM2, PM5, PS4:Moderate, PS3:Supporting

Dasa
Classification: Pathogenic. Last evaluated: 2025-10-14. Review status: criteria provided, single submitter. Criteria: DASA Assertion Criteria. Collection method: clinical testing. Allele origin: germline.
Comment: NM_003334.4(UBA1):c.122T>C (p.Met41Thr) is a missense variant that results in the substitution of methionine with threonine. Functional evidence supports a deleterious effect on the gene or gene product (PMID: 33108101; PMID: 40373178). This variant has been recurrently observed in individuals with related phenotype (PMID: 33108101; PMID: 40373178). The variant is present at low frequency in population datasets. Based on the available data, this variant is classified as pathogenic.

Blueprint Genetics
Classification: Pathogenic for UBA1-related disorders. Last evaluated: 2024-07-17. Review status: criteria provided, single submitter. Criteria: ACMG Guidelines, 2015. Collection method: clinical testing. Allele origin: germline. Affected: yes. Observed: 5 variant alleles.

Fulgent Genetics
Classification: Pathogenic for VEXAS syndrome; Infantile-onset X-linked spinal muscular atrophy. Last evaluated: 2024-03-21. Review status: criteria provided, single submitter. Criteria: ACMG Guidelines, 2015. Collection method: clinical testing. Allele origin: germline.

PreventionGenetics, part of Exact Sciences
Classification: Pathogenic for UBA1-related condition. Last evaluated: 2023-03-09. Review status: criteria provided, single submitter. Criteria: ACMG Guidelines, 2015. Collection method: clinical testing. Allele origin: germline.
Comment: The UBA1 c.122T>C variant is predicted to result in the amino acid substitution p.Met41Thr. This variant has been reported as a post-zygotic mosaic substitution in multiple individuals with VEXAS (vacuoles, E1 enzyme, X-linked, autoinflammatory, somatic) syndrome. The majority of reported patients harbored mosaic variants affecting this residue (p.Met41Val, pMet41Thr, p.Met41Leu) (Beck et al. 2020. PubMed ID: 33108101; Poulter et al. 2021. PubMed ID: 33690815). This variant has not been reported in a large population database, indicating this variant is rare. Variants altering p.Met41 result in the loss of a canonical isoform and expression of a catalytically impaired isoform of UBA1 (Beck et al. 2020. PubMed ID: 33108101). This variant is interpreted as pathogenic.

Institute for Clinical Genetics, University Hospital TU Dresden, University Hospital TU Dresden
Classification: Pathogenic. Last evaluated: 2022-11-08. Review status: criteria provided, single submitter. Criteria: ACMG Guidelines, 2015. Collection method: clinical testing. Allele origin: germline.
Comment: PS4, PM2_SUP

MGZ Medical Genetics Center
Classification: Likely pathogenic for VEXAS syndrome. Last evaluated: 2022-06-03. Review status: criteria provided, single submitter. Criteria: ACMG Guidelines, 2015. Collection method: clinical testing. Allele origin: germline. Affected: yes. Observed: 2 variant alleles.
Comment: ACMG criteria applied: PS4, PS3_MOD, PM2_SUP

Victorian Clinical Genetics Services, Murdoch Childrens Research Institute
Classification: Pathogenic for VEXAS syndrome. Last evaluated: 2022-02-02. Review status: criteria provided, single submitter. Criteria: ACMG Guidelines, 2015. Collection method: clinical testing. Allele origin: germline. Inheritance: X-linked recessive inheritance. Affected: yes.
Comment: Based on the classification scheme VCGS_Germline_v1.3.4, this variant is classified as Pathogenic. Following criteria are met: 0102 - Loss of function is a known mechanism of disease in this gene and is associated with infantile spinal muscular atrophy (MIM#301830) and VEXAS syndrome (MIM#301054). (I) 0109 - This gene is associated with X-linked recessive disease infantile spinal muscular atrophy (MIM#301830) and the somatically acquired VEXAS syndrome (MIM#301054). Variants associated with the germline condition tend to cluster within exon 15 while those associated with the somatic condition predominantly affect Met41 (GeneReviews, PMID: 33108101, 33690815). (I) 0200 - Variant is predicted to result in a missense amino acid change from methionine to threonine. (I) 0301 - Variant is absent from gnomAD (both v2 and v3). (SP) 0502 - Missense variant with conflicting in silico predictions and uninformative conservation. (I) 0603 - Missense variant in a region that is highly intolerant to missense variation (high constraint region in DECIPHER). (SP) 0801 - This variant has strong previous evidence of pathogenicity in unrelated individuals. It has been reported in at least fifteen individuals with VEXAS syndrome (PMID: 33108101). (SP) Legend: (SP) - Supporting pathogenic, (I) - Information, (SB) - Supporting benign

GeneDx
Classification: Pathogenic. Last evaluated: 2022-01-04. Review status: criteria provided, single submitter. Criteria: GeneDx Variant Classification Process June 2021. Collection method: clinical testing. Allele origin: germline. Affected: yes.
Comment: Published functional studies demonstrate that variants altering the M41 codon disrupted translation and production of the cytoplasmic isoform, leading to the upregulation of pro-inflammatory gene expression (Beck et al., 2020); Not observed at significant frequency in large population cohorts (gnomAD); Missense variants in this gene are often considered pathogenic (HGMD); This variant is associated with the following publications: (PMID: 33779074, 33108101, 33690815, 33789873, 34427584, 34632574)

OMIM
Classification: Pathogenic for VEXAS SYNDROME, SOMATIC. Last evaluated: 2023-02-06. Review status: no assertion criteria provided. Collection method: literature only. Allele origin: somatic. Not counted in ClinVar's aggregate classification.

Inflammatory Disease Section/Clinical Genetics Service, National Human Genome Research Institute
Classification: Pathogenic for VEXAS. Last evaluated: 2020-10-01. Review status: no assertion criteria provided. Collection method: research. Allele origin: somatic. Affected: yes. Not counted in ClinVar's aggregate classification.

Diagnostic Laboratory, Department of Genetics, University Medical Center Groningen
Classification: Pathogenic. Review status: no assertion criteria provided. Collection method: clinical testing. Allele origin: germline. Affected: yes. Study: VKGL Data-share Consensus. Not counted in ClinVar's aggregate classification.

Genome Diagnostics Laboratory, University Medical Center Utrecht
Classification: Pathogenic. Review status: no assertion criteria provided. Collection method: clinical testing. Allele origin: germline. Affected: yes. Study: VKGL Data-share Consensus. Not counted in ClinVar's aggregate classification.

Joint Genome Diagnostic Labs from Nijmegen and Maastricht, Radboudumc and MUMC+
Classification: Pathogenic. Review status: no assertion criteria provided. Collection method: clinical testing. Allele origin: germline. Affected: yes. Study: VKGL Data-share Consensus. Not counted in ClinVar's aggregate classification.

Literature cited by the submitters: PubMed 33108101 (cited by 4 submitters); PubMed 40373178 (cited by Dasa); PubMed 33690815 (cited by Victorian Clinical Genetics Services, Murdoch Childrens Research Institute); PubMed 34048852 (cited by OMIM); PubMed 35793467 (cited by OMIM).

NM_003334.4(UBA1):c.122T>C (p.Met41Thr)

Genes: UBA1 (ubiquitin like modifier activating enzyme 1; plus strand), LOC126863253 (CDK7 strongly-dependent group 2 enhancer GRCh37_chrX:47057593-47058792; plus strand). Cytogenetic location: Xp11.3.
Variant type: single nucleotide variant.
Coding change: c.122T>C on transcript NM_003334.4 (MANE Select); coding-DNA position 122, T replaced by C.
Protein change: p.Met41Thr; replaces methionine 41 with threonine.
Molecular consequence: missense variant.
Genome position (GRCh38, 1-based): chrX:47,199,052, T>C. VCF-style: chrX-47199052-T-C. GRCh37 (hg19) VCF-style: chrX-47058451-T-C.
Other names: c.122T>C, p.Met41Thr (NM_153280.3); short protein forms M41T.
Identifiers: ClinVar variation 965290 (VCV000965290.62), dbSNP rs782416867, ClinGen allele CA10395610.